The following is an entry in ClinVar:

ClinVar aggregate classification (germline): Benign/Likely benign. Review status: criteria provided, multiple submitters, no conflicts (2 of 4 stars). 7 submissions from 7 submitters: Benign (2); Likely benign (4). 1 of the submissions does not count toward it. Last evaluated 2026-02-01.

Conditions:
PRICKLE1-related disorder. Also called: PRICKLE1-related condition; PRICKLE1-Related Disorders. Identifiers: MedGen CN381536.
Epilepsy, progressive myoclonic, 1B. Also called: PME. Identifiers: Orphanet 308, MedGen C2676254, MONDO:0012904, OMIM 612437.

Allele frequency attached by ClinVar (database versions not stated): TOPMed 0.00019; 1000 Genomes Project 0.00040; 1000 Genomes Project 30x 0.00047.

Submissions (7):

Labcorp Genetics (formerly Invitae), Labcorp
Classification: Likely benign for Epilepsy, progressive myoclonic, 1B. Last evaluated: 2026-02-01. Review status: criteria provided, single submitter. Criteria: Invitae Variant Classification Sherloc (09022015). Collection method: clinical testing. Allele origin: germline.

CeGaT Center for Human Genetics Tuebingen
Classification: Likely benign. Last evaluated: 2026-01-01. Review status: criteria provided, single submitter. Criteria: CeGaT Center For Human Genetics Tuebingen Variant Classification Criteria Version 2. Collection method: clinical testing. Allele origin: germline. Affected: yes. Observed: 2 variant alleles.
Comment: PRICKLE1: BP4, BP7

Blueprint Genetics
Classification: Likely benign. Last evaluated: 2024-10-01. Review status: criteria provided, single submitter. Criteria: ACMG Guidelines, 2015. Collection method: clinical testing. Allele origin: germline.

Athena Diagnostics
Classification: Benign. Last evaluated: 2024-06-25. Review status: criteria provided, single submitter. Criteria: Athena Diagnostics Criteria. Collection method: clinical testing. Allele origin: unknown.

Ambry Genetics
Classification: Likely benign. Last evaluated: 2017-05-31. Review status: criteria provided, single submitter. Criteria: Ambry Variant Classification Scheme 2023. Collection method: clinical testing. Allele origin: germline.

GeneDx
Classification: Benign. Last evaluated: 2013-10-09. Review status: criteria provided, single submitter. Criteria: GeneDx Variant Classification (06012015). Collection method: clinical testing. Allele origin: germline. Affected: yes.
Comment: This variant is considered likely benign or benign based on one or more of the following criteria: it is a conservative change, it occurs at a poorly conserved position in the protein, it is predicted to be benign by multiple in silico algorithms, and/or has population frequency not consistent with disease.

PreventionGenetics, part of Exact Sciences
Classification: Likely benign for PRICKLE1-related condition. Last evaluated: 2023-01-11. Review status: no assertion criteria provided. Collection method: clinical testing. Allele origin: germline. Not counted in ClinVar's aggregate classification.
Comment: This variant is classified as likely benign based on ACMG/AMP sequence variant interpretation guidelines (Richards et al. 2015 PMID: 25741868, with internal and published modifications).

NM_153026.3(PRICKLE1):c.954C>T (p.Ser318=)

Genes: PRICKLE1 (prickle planar cell polarity protein 1; minus strand), LOC126861509 (BRD4-independent group 4 enhancer GRCh37_chr12:42858567-42859766; plus strand). Cytogenetic location: 12q12.
Variant type: single nucleotide variant.
Coding change: c.954C>T on transcript NM_153026.3 (MANE Select); coding-DNA position 954, C replaced by T.
Protein change: p.Ser318=; no amino-acid change (serine 318 retained).
Molecular consequence: synonymous variant.
Genome position (GRCh38, 1-based): chr12:42,465,080, G>A on the plus strand (C>T on the coding strand, the complement: PRICKLE1 is on the minus strand). VCF-style: chr12-42465080-G-A. GRCh37 (hg19) VCF-style: chr12-42858882-G-A.
Other names: p.S318S:TCC>TCT; c.954C>T, p.Ser318= (NM_001144881.2, NM_001144882.2, NM_001144883.2).
Identifiers: ClinVar variation 138807 (VCV000138807.82), dbSNP rs139421676, ClinGen allele CA292914.